The following is an entry in ClinVar:

ClinVar aggregate classification (germline): Uncertain significance (1 of 4 stars; one submission).

Submission:

Labcorp Genetics (formerly Invitae), Labcorp
Classification: Uncertain significance. Last evaluated: 2024-01-22. Review status: criteria provided, single submitter. Criteria: Invitae Variant Classification Sherloc (09022015). Collection method: clinical testing. Allele origin: germline.
Comment: This sequence change replaces tryptophan, which is neutral and slightly polar, with leucine, which is neutral and non-polar, at codon 85 of the LRP2 protein (p.Trp85Leu). This variant is not present in population databases (gnomAD no frequency). This variant has not been reported in the literature in individuals affected with LRP2-related conditions. ClinVar contains an entry for this variant (Variation ID: 2080392). Advanced modeling of protein sequence and biophysical properties (such as structural, functional, and spatial information, amino acid conservation, physicochemical variation, residue mobility, and thermodynamic stability) performed at Invitae indicates that this missense variant is expected to disrupt LRP2 protein function with a positive predictive value of 95%. In summary, the available evidence is currently insufficient to determine the role of this variant in disease. Therefore, it has been classified as a Variant of Uncertain Significance.

NM_004525.3(LRP2):c.254G>T (p.Trp85Leu)

Gene: LRP2 (LDL receptor related protein 2; minus strand). Cytogenetic location: 2q31.1.
Variant type: single nucleotide variant.
Coding change: c.254G>T on transcript NM_004525.3 (MANE Select); coding-DNA position 254, G replaced by T.
Protein change: p.Trp85Leu; replaces tryptophan 85 with leucine.
Molecular consequence: missense variant.
Genome position (GRCh38, 1-based): chr2:169,318,818, C>A on the plus strand (G>T on the coding strand, the complement: LRP2 is on the minus strand). VCF-style: chr2-169318818-C-A. GRCh37 (hg19) VCF-style: chr2-170175328-C-A.
Other names: short protein forms W85L.
Identifiers: ClinVar variation 2080392 (VCV002080392.4), dbSNP rs2528664497, ClinGen allele CA349173701.